The following is an entry in ClinVar:

NM_005005.3(NDUFB9):c.136G>A (p.Ala46Thr)

Gene: NDUFB9 (NADH:ubiquinone oxidoreductase subunit B9; plus strand). Cytogenetic location: 8q24.13.
Variant type: single nucleotide variant.
Coding change: c.136G>A on transcript NM_005005.3 (MANE Select); coding-DNA position 136, G replaced by A.
Protein change: p.Ala46Thr; replaces alanine 46 with threonine.
Molecular consequence: missense variant. On other transcripts: splice acceptor variant (1).
Genome position (GRCh38, 1-based): chr8:124,543,121, G>A. VCF-style: chr8-124543121-G-A. GRCh37 (hg19) VCF-style: chr8-125555362-G-A.
Other names: c.7G>A, p.Ala3Thr (NM_001278646.2); c.103G>A, p.Ala35Thr (NM_001311168.2); c.-32-1G>A (NM_001278645.2); short protein forms A35T, A3T, A46T.
Identifiers: ClinVar variation 1999875 (VCV001999875.4), dbSNP rs770697169, ClinGen allele CA4871479.

ClinVar aggregate classification (germline): Uncertain significance (1 of 4 stars; one submission).

Allele frequency attached by ClinVar (database versions not stated): gnomAD 0.00001; ExAC 0.00001.
gnomAD v4.1: 5 of 1,614,066 alleles (0.00031%); highest among the groups gnomAD compares: Non-Finnish European, 0.00034%; no homozygotes.

Submission:

Labcorp Genetics (formerly Invitae), Labcorp
Classification: Uncertain significance. Last evaluated: 2022-05-28. Review status: criteria provided, single submitter. Criteria: Invitae Variant Classification Sherloc (09022015). Collection method: clinical testing. Allele origin: germline.
Comment: Algorithms developed to predict the effect of missense changes on protein structure and function are either unavailable or do not agree on the potential impact of this missense change (SIFT: "Deleterious"; PolyPhen-2: "Possibly Damaging"; Align-GVGD: "Class C0"). This variant has not been reported in the literature in individuals affected with NDUFB9-related conditions. This variant is present in population databases (rs770697169, gnomAD 0.009%). This sequence change replaces alanine, which is neutral and non-polar, with threonine, which is neutral and polar, at codon 46 of the NDUFB9 protein (p.Ala46Thr). In summary, the available evidence is currently insufficient to determine the role of this variant in disease. Therefore, it has been classified as a Variant of Uncertain Significance.